The following is an entry in ClinVar:

ClinVar aggregate classification (germline): Pathogenic (1 of 4 stars; one submission).

Submission:

Labcorp Genetics (formerly Invitae), Labcorp
Classification: Pathogenic. Last evaluated: 2017-05-03. Review status: criteria provided, single submitter. Criteria: Invitae Variant Classification Sherloc (09022015). Collection method: clinical testing. Allele origin: germline.
Comment: Loss-of-function variants in CDC45 are known to be pathogenic (PMID: 27374770). This sequence change creates a premature translational stop signal (p.Val337Alafs*40) in the CDC45 gene. It is expected to result in an absent or disrupted protein product. This variant is not present in population databases (ExAC no frequency). This variant has not been reported in the literature in individuals with a CDC45-related disease. For these reasons, this variant has been classified as Pathogenic.

Literature cited by the submitters: PubMed 27374770.

NM_003504.5(CDC45):c.914_915del (p.Val305fs)

Gene: CDC45 (cell division cycle 45; plus strand). Cytogenetic location: 22q11.21.
Variant type: Microsatellite.
Coding change: c.914_915del on transcript NM_003504.5 (MANE Select); coding-DNA positions 914 to 915, 2 bases deleted (TG; older notation c.914_915delTG).
Protein change: p.Val305fs; shifts the reading frame from valine 305.
Molecular consequence: frameshift variant. On other transcripts: non-coding transcript variant (1).
Genome position (GRCh38, 1-based): chr22:19,507,475-19,507,476, TG deleted; deleting any 2 consecutive bases within chr22:19,507,473-19,507,476 gives the same sequence; the c. name uses the placement nearest the transcript's 3' end. VCF-style (leftmost placement, unchanged base first): chr22-19507472-CTG-C. GRCh37 (hg19) VCF-style: chr22-19494995-CTG-C.
Other names: c.1010_1011del, p.Val337fs (NM_001178010.2); c.776_777del, p.Val259fs (NM_001178011.2); c.878_879del, p.Val293fs (NM_001369291.1); short protein forms V259fs, V293fs, V305fs, V337fs.
Identifiers: ClinVar variation 1069021 (VCV001069021.7), dbSNP rs2146413876, ClinGen allele CA2545952960.